The following is an entry in ClinVar:

NM_152296.5(ATP1A3):c.716G>C (p.Cys239Ser)

Gene: ATP1A3 (ATPase Na+/K+ transporting subunit alpha 3; minus strand). Cytogenetic location: 19q13.2.
Variant type: single nucleotide variant.
Coding change: c.716G>C on transcript NM_152296.5 (MANE Select); coding-DNA position 716, G replaced by C.
Protein change: p.Cys239Ser; replaces cysteine 239 with serine.
Molecular consequence: missense variant.
Genome position (GRCh38, 1-based): chr19:41,985,314, C>G on the plus strand (G>C on the coding strand, the complement: ATP1A3 is on the minus strand). VCF-style: chr19-41985314-C-G. GRCh37 (hg19) VCF-style: chr19-42489466-C-G.
Other names: c.749G>C, p.Cys250Ser (NM_001256213.2); c.755G>C, p.Cys252Ser (NM_001256214.2); short protein forms C239S, C250S, C252S.
Identifiers: ClinVar variation 3363391 (VCV003363391.1).
Genomic context (GRCh38, chr19:41,985,314, plus strand): 5'-GACACATCCCTGTGTCTGCCCCAGCTGTGTGTCTTCTCTGCACCCGCCTCACCTTCCACA[C>G]AGTTGGTGGAAAAGAAGGTGATGTTCCGAGTCTCCAAGGGGTTGTCGTGAGTGCAGTCGG-3'
Protein context (NP_689509.1, residues 229-249): TRNITFFSTN[Cys239Ser]VEGTARGVVV

ClinVar aggregate classification (germline): Uncertain significance (1 of 4 stars; one submission).

Submission:

GeneDx
Classification: Uncertain significance. Last evaluated: 2023-10-29. Review status: criteria provided, single submitter. Criteria: GeneDx Variant Classification Process June 2021. Collection method: clinical testing. Allele origin: germline. Affected: yes.
Comment: Not observed at significant frequency in large population cohorts (gnomAD); In silico analysis supports that this missense variant has a deleterious effect on protein structure/function; Has not been previously published as pathogenic or benign to our knowledge